The following is an entry in ClinVar:

NM_138393.4(REEP6):c.421C>G (p.Arg141Gly)

Gene: REEP6 (receptor accessory protein 6; plus strand). Cytogenetic location: 19p13.3.
Variant type: single nucleotide variant.
Coding change: c.421C>G on transcript NM_138393.4 (MANE Select); coding-DNA position 421, C replaced by G.
Protein change: p.Arg141Gly; replaces arginine 141 with glycine.
Molecular consequence: missense variant.
Genome position (GRCh38, 1-based): chr19:1,496,357, C>G. VCF-style: chr19-1496357-C-G. GRCh37 (hg19) VCF-style: chr19-1496356-C-G.
Other names: c.421C>G, p.Arg141Gly (NM_001329556.3); short protein forms R141G.
Identifiers: ClinVar variation 2786050 (VCV002786050.3), dbSNP rs753502304, ClinGen allele CA403057018.
Genomic context (GRCh38, chr19:1,496,357, plus strand): 5'-TTGTTCTGCATGGCTCCCAGGCCCTGGAACGGGGCTCTCATGCTGTATCAGCGCGTCGTG[C>G]GTCCGCTGTTCCTAAGGCACCACGGGGCCGTAGACAGAATCATGAACGACCTCAGCGGGC-3'
Protein context (NP_612402.1, residues 131-151): GALMLYQRVV[Arg141Gly]PLFLRHHGAV

ClinVar aggregate classification (germline): Uncertain significance (1 of 4 stars; one submission).

Submission:

Labcorp Genetics (formerly Invitae), Labcorp
Classification: Uncertain significance. Last evaluated: 2023-03-20. Review status: criteria provided, single submitter. Criteria: Invitae Variant Classification Sherloc (09022015). Collection method: clinical testing. Allele origin: germline.
Comment: This sequence change replaces arginine, which is basic and polar, with glycine, which is neutral and non-polar, at codon 141 of the REEP6 protein (p.Arg141Gly). This variant is not present in population databases (gnomAD no frequency). In summary, the available evidence is currently insufficient to determine the role of this variant in disease. Therefore, it has been classified as a Variant of Uncertain Significance. Experimental studies and prediction algorithms are not available or were not evaluated, and the functional significance of this variant is currently unknown. This missense change has been observed in individual(s) with retinitis pigmentosa (Invitae).